The following is an entry in ClinVar:

ClinVar aggregate classification (germline): Uncertain significance (1 of 4 stars; one submission).

Submission:

Labcorp Genetics (formerly Invitae), Labcorp
Classification: Uncertain significance. Last evaluated: 2022-05-04. Review status: criteria provided, single submitter. Criteria: Invitae Variant Classification Sherloc (09022015). Collection method: clinical testing. Allele origin: germline.
Comment: This variant has not been reported in the literature in individuals affected with ASPM-related conditions. In summary, the available evidence is currently insufficient to determine the role of this variant in disease. Therefore, it has been classified as a Variant of Uncertain Significance. Algorithms developed to predict the effect of missense changes on protein structure and function (SIFT, PolyPhen-2, Align-GVGD) all suggest that this variant is likely to be tolerated. This variant is not present in population databases (gnomAD no frequency). This sequence change replaces valine, which is neutral and non-polar, with isoleucine, which is neutral and non-polar, at codon 2787 of the ASPM protein (p.Val2787Ile).

NM_018136.5(ASPM):c.8359G>A (p.Val2787Ile)

Gene: ASPM (assembly factor for spindle microtubules; minus strand). Cytogenetic location: 1q31.3.
Variant type: single nucleotide variant.
Coding change: c.8359G>A on transcript NM_018136.5 (MANE Select); coding-DNA position 8359, G replaced by A.
Protein change: p.Val2787Ile; replaces valine 2787 with isoleucine.
Molecular consequence: missense variant. On other transcripts: intron variant (1).
Genome position (GRCh38, 1-based): chr1:197,100,892, C>T on the plus strand (G>A on the coding strand, the complement: ASPM is on the minus strand). VCF-style: chr1-197100892-C-T. GRCh37 (hg19) VCF-style: chr1-197070022-C-T.
Other names: c.4066-4728G>A (NM_001206846.2); short protein forms V2787I.
Identifiers: ClinVar variation 2133709 (VCV002133709.4), dbSNP rs2527288805, ClinGen allele CA344013352.